The following is an entry in ClinVar:

NM_001371623.1(TCOF1):c.2900G>T (p.Ser967Ile)

Gene: TCOF1 (treacle ribosome biogenesis factor 1; plus strand). Cytogenetic location: 5q32.
Variant type: single nucleotide variant.
Coding change: c.2900G>T on transcript NM_001371623.1 (MANE Select); coding-DNA position 2900, G replaced by T.
Protein change: p.Ser967Ile; replaces serine 967 with isoleucine.
Molecular consequence: missense variant.
Genome position (GRCh38, 1-based): chr5:150,387,942, G>T. VCF-style: chr5-150387942-G-T. GRCh37 (hg19) VCF-style: chr5-149767505-G-T.
Other names: c.2669G>T, p.Ser890Ile (NM_000356.4, NM_001135245.2); c.2900G>T, p.Ser967Ile (NM_001135243.2, NM_001135244.2, NM_001195141.2); short protein forms S890I, S967I.
Identifiers: ClinVar variation 3340881 (VCV003340881.3).

ClinVar aggregate classification (germline): Uncertain significance. Review status: criteria provided, multiple submitters, no conflicts (2 of 4 stars). 3 submissions from 3 submitters: Uncertain significance (3). Last evaluated 2025-05-01.

Conditions:
Treacher Collins syndrome 1 (TCS1). Also called: TCOF1-Related Treacher Collins Syndrome. Identifiers: Orphanet 861, MedGen CN315775, MONDO:0007944, OMIM 154500.
Inborn genetic diseases. Identifiers: MedGen C0950123, MeSH D030342.

gnomAD v4.1: 41 of 1,613,810 alleles (0.0025%); highest among the groups gnomAD compares: Non-Finnish European, 0.0034%; no homozygotes.

Submissions (3):

Labcorp Genetics (formerly Invitae), Labcorp
Classification: Uncertain significance for Treacher Collins syndrome 1. Last evaluated: 2025-05-01. Review status: criteria provided, single submitter. Criteria: Invitae Variant Classification Sherloc (09022015). Collection method: clinical testing. Allele origin: germline.
Comment: This sequence change replaces serine, which is neutral and polar, with isoleucine, which is neutral and non-polar, at codon 967 of the TCOF1 protein (p.Ser967Ile). This variant is present in population databases (no rsID available, gnomAD 0.002%). This variant has not been reported in the literature in individuals affected with TCOF1-related conditions. This missense change has been observed in at least one individual who was not affected with TCOF1-related conditions (internal data). ClinVar contains an entry for this variant (Variation ID: 3340881). An algorithm developed to predict the effect of missense changes on protein structure and function (PolyPhen-2) suggests that this variant is likely to be disruptive. Algorithms developed to predict the effect of sequence changes on RNA splicing suggest that this variant may create or strengthen a splice site. In summary, the available evidence is currently insufficient to determine the role of this variant in disease. Therefore, it has been classified as a Variant of Uncertain Significance.

Ambry Genetics
Classification: Uncertain significance for Inborn genetic diseases. Last evaluated: 2025-01-02. Review status: criteria provided, single submitter. Criteria: Ambry Variant Classification Scheme 2023. Collection method: clinical testing. Allele origin: germline.

GeneDx
Classification: Uncertain significance. Last evaluated: 2024-01-05. Review status: criteria provided, single submitter. Criteria: GeneDx Variant Classification Process June 2021. Collection method: clinical testing. Allele origin: germline. Affected: yes.
Comment: In silico analysis supports that this missense variant has a deleterious effect on protein structure/function; In silico analysis is inconclusive as to whether the variant alters gene splicing. In the absence of RNA/functional studies, the actual effect of this sequence change is unknown.; Has not been previously published as pathogenic or benign to our knowledge